The following is an entry in ClinVar:

ClinVar aggregate classification (germline): Pathogenic/Likely pathogenic. Review status: criteria provided, multiple submitters, no conflicts (2 of 4 stars). 2 submissions from 2 submitters: Pathogenic (1); Likely pathogenic (1). Last evaluated 2025-07-08.

Conditions:
Biotinidase deficiency. Also called: Biotin deficiency; BTD deficiency; Late-onset biotin-responsive multiple carboxylase deficiency. Identifiers: Orphanet 79241, MedGen C0220754, MONDO:0009665, OMIM 253260.

Allele frequency attached by ClinVar (database versions not stated): ExAC 0.00002.
gnomAD v4.1: 3 of 1,613,794 alleles (0.00019%); highest among the groups gnomAD compares: Non-Finnish European, 0.00025%; no homozygotes.

Submissions (2):

Women's Health and Genetics/Laboratory Corporation of America, LabCorp
Classification: Likely pathogenic for Biotinidase deficiency. Last evaluated: 2025-07-08. Review status: criteria provided, single submitter. Criteria: LabCorp Variant Classification Summary - May 2015. Collection method: clinical testing. Allele origin: germline.
Comment: Variant summary: BTD c.419G>T (p.Cys140Phe) results in a non-conservative amino acid change in the encoded protein sequence. Algorithms developed to predict the effect of missense changes on protein structure and function all suggest that this variant is likely to be disruptive. The variant allele was found at a frequency of 4e-06 in 251084 control chromosomes. c.419G>T has been observed in individuals affected with Biotinidase Deficiency (internal data). These data indicate that the variant may be associated with disease. A different variant affecting the same codon has been classified as likely pathogenic by our lab (c.419G>A; p.Cys140Tyr), supporting the critical relevance of codon 140 to BTD protein function. To our knowledge, no experimental evidence demonstrating an impact on protein function has been reported. ClinVar contains an entry for this variant (Variation ID: 571821). Based on the evidence outlined above, the variant was classified as likely pathogenic.

Labcorp Genetics (formerly Invitae), Labcorp
Classification: Pathogenic for Biotinidase deficiency. Last evaluated: 2021-06-12. Review status: criteria provided, single submitter. Criteria: Invitae Variant Classification Sherloc (09022015). Collection method: clinical testing. Allele origin: germline.
Comment: For these reasons, this variant has been classified as Pathogenic. This variant disrupts the p.Cys160 amino acid residue in BTD. Other variant(s) that disrupt this residue have been observed in individuals with BTD-related conditions (PMID: 25174816), which suggests that this may be a clinically significant amino acid residue. Algorithms developed to predict the effect of missense changes on protein structure and function (SIFT, PolyPhen-2, Align-GVGD) all suggest that this variant is likely to be disruptive, but these predictions have not been confirmed by published functional studies and their clinical significance is uncertain. This variant has been observed in individual(s) with clinical features of biotinidase deficiency (Invitae). In at least one individual the data is consistent with the variant being in trans (on the opposite chromosome) from a pathogenic variant. ClinVar contains an entry for this variant (Variation ID: 571821). This variant is present in population databases (rs745343884, ExAC 0.006%). This sequence change replaces cysteine with phenylalanine at codon 160 of the BTD protein (p.Cys160Phe). The cysteine residue is highly conserved and there is a large physicochemical difference between cysteine and phenylalanine.

Literature cited by the submitters: PubMed 25174816 (cited by Labcorp Genetics (formerly Invitae), Labcorp).

NM_001370658.1(BTD):c.419G>T (p.Cys140Phe)

Gene: BTD (biotinidase; plus strand). Cytogenetic location: 3p25.1.
Variant type: single nucleotide variant.
Coding change: c.419G>T on transcript NM_001370658.1 (MANE Select); coding-DNA position 419, G replaced by T.
Protein change: p.Cys140Phe; replaces cysteine 140 with phenylalanine.
Molecular consequence: missense variant. On other transcripts: intron variant (1).
Genome position (GRCh38, 1-based): chr3:15,644,335, G>T. VCF-style: chr3-15644335-G-T. GRCh37 (hg19) VCF-style: chr3-15685842-G-T.
Other names: c.419G>T, p.Cys140Phe (NM_001281725.3, NM_001323582.2, NM_001370752.1 and 18 more transcripts); c.479G>T, p.Cys160Phe (NM_000060.4); c.399+2278G>T (NM_001370753.1); short protein forms C140F.
Identifiers: ClinVar variation 571821 (VCV000571821.12), dbSNP rs745343884, ClinGen allele CA2277336.